The following is an entry in ClinVar:

ClinVar aggregate classification (germline): Uncertain significance (1 of 4 stars; one submission).

Submission:

Mayo Clinic Laboratories, Mayo Clinic
Classification: Uncertain significance. Last evaluated: 2023-10-13. Review status: criteria provided, single submitter. Criteria: ACMG Guidelines, 2015. Collection method: clinical testing. Allele origin: germline. Observed: 1 variant allele.
Comment: PM2_moderate

NM_000360.4(TH):c.1430G>C (p.Arg477Pro)

Gene: TH (tyrosine hydroxylase; minus strand). Cytogenetic location: 11p15.5.
Variant type: single nucleotide variant.
Coding change: c.1430G>C on transcript NM_000360.4 (MANE Select); coding-DNA position 1430, G replaced by C.
Protein change: p.Arg477Pro; replaces arginine 477 with proline.
Molecular consequence: missense variant.
Genome position (GRCh38, 1-based): chr11:2,164,297, C>G on the plus strand (G>C on the coding strand, the complement: TH is on the minus strand). VCF-style: chr11-2164297-C-G. GRCh37 (hg19) VCF-style: chr11-2185527-C-G.
Other names: p.Arg508Pro; c.1523G>C, p.Arg508Pro (NM_199292.3); c.1511G>C, p.Arg504Pro (NM_199293.3); short protein forms R477P, R504P, R508P.
Identifiers: ClinVar variation 3380006 (VCV003380006.1).